The following is an entry in ClinVar:

ClinVar aggregate classification (germline): Uncertain significance (1 of 4 stars; one submission).

Allele frequency attached by ClinVar (database versions not stated): ExAC 0.00001; gnomAD 0.00002; TOPMed 0.00002.
gnomAD v4.1: 12 of 1,614,044 alleles (0.00074%); highest among the groups gnomAD compares: Non-Finnish European, 0.001%; no homozygotes.

Submission:

Labcorp Genetics (formerly Invitae), Labcorp
Classification: Uncertain significance. Last evaluated: 2023-06-27. Review status: criteria provided, single submitter. Criteria: Invitae Variant Classification Sherloc (09022015). Collection method: clinical testing. Allele origin: germline.
Comment: In summary, the available evidence is currently insufficient to determine the role of this variant in disease. Therefore, it has been classified as a Variant of Uncertain Significance. Advanced modeling of protein sequence and biophysical properties (such as structural, functional, and spatial information, amino acid conservation, physicochemical variation, residue mobility, and thermodynamic stability) performed at Invitae indicates that this missense variant is not expected to disrupt SETBP1 protein function. ClinVar contains an entry for this variant (Variation ID: 1910804). This variant has not been reported in the literature in individuals affected with SETBP1-related conditions. This variant is not present in population databases (gnomAD no frequency). This sequence change replaces threonine, which is neutral and polar, with serine, which is neutral and polar, at codon 224 of the SETBP1 protein (p.Thr224Ser).

NM_015559.3(SETBP1):c.671C>G (p.Thr224Ser)

Gene: SETBP1 (SET binding protein 1; plus strand). Cytogenetic location: 18q12.3.
Variant type: single nucleotide variant.
Coding change: c.671C>G on transcript NM_015559.3 (MANE Select); coding-DNA position 671, C replaced by G.
Protein change: p.Thr224Ser; replaces threonine 224 with serine.
Molecular consequence: missense variant.
Genome position (GRCh38, 1-based): chr18:44,950,011, C>G. VCF-style: chr18-44950011-C-G. GRCh37 (hg19) VCF-style: chr18-42529976-C-G.
Other names: c.671C>G, p.Thr224Ser (NM_001379141.1, NM_001379142.1, NM_001410862.1); short protein forms T224S.
Identifiers: ClinVar variation 1910804 (VCV001910804.5), dbSNP rs755762478, ClinGen allele CA8945479.